The following is an entry in ClinVar:

ClinVar aggregate classification (germline): Uncertain significance (1 of 4 stars; one submission).

Conditions:
PRPH2-related disorder. Also called: PRPH2-related condition; PRPH2-related disorders. Identifiers: MedGen CN239395.

gnomAD v4.1: 5 of 1,614,176 alleles (0.00031%); highest among the groups gnomAD compares: South Asian, 0.0055%; no homozygotes.

Submission:

Labcorp Genetics (formerly Invitae), Labcorp
Classification: Uncertain significance for PRPH2-related disorder. Last evaluated: 2025-07-09. Review status: criteria provided, single submitter. Criteria: Invitae Variant Classification Sherloc (09022015). Collection method: clinical testing. Allele origin: germline.
Comment: This sequence change replaces methionine, which is neutral and non-polar, with threonine, which is neutral and polar, at codon 67 of the PRPH2 protein (p.Met67Thr). This variant is not present in population databases (gnomAD no frequency). This variant has not been reported in the literature in individuals affected with PRPH2-related conditions. Invitae Evidence Modeling of protein sequence and biophysical properties (such as structural, functional, and spatial information, amino acid conservation, physicochemical variation, residue mobility, and thermodynamic stability) has been performed for this missense variant. However, the output from this modeling did not meet the statistical confidence thresholds required to predict the impact of this variant on PRPH2 protein function. In summary, the available evidence is currently insufficient to determine the role of this variant in disease. Therefore, it has been classified as a Variant of Uncertain Significance.

NM_000322.5(PRPH2):c.200T>C (p.Met67Thr)

Gene: PRPH2 (peripherin 2; minus strand). Cytogenetic location: 6p21.1.
Variant type: single nucleotide variant.
Coding change: c.200T>C on transcript NM_000322.5 (MANE Select); coding-DNA position 200, T replaced by C.
Protein change: p.Met67Thr; replaces methionine 67 with threonine.
Molecular consequence: missense variant.
Genome position (GRCh38, 1-based): chr6:42,722,135, A>G on the plus strand (T>C on the coding strand, the complement: PRPH2 is on the minus strand). VCF-style: chr6-42722135-A-G. GRCh37 (hg19) VCF-style: chr6-42689873-A-G.
Other names: short protein forms M67T.
Identifiers: ClinVar variation 4750787 (VCV004750787.1).